The following is an entry in ClinVar:

ClinVar aggregate classification (germline): Benign/Likely benign. Review status: criteria provided, multiple submitters, no conflicts (2 of 4 stars). 5 submissions from 5 submitters: Benign (1); Likely benign (3). 1 of the submissions does not count toward it. Last evaluated 2026-01-25.

Conditions:
Inborn genetic diseases. Identifiers: MedGen C0950123, MeSH D030342.
HINT1-related disorder. Also called: HINT1-related condition.
Autosomal recessive axonal neuropathy with neuromyotonia (NMAN). Also called: Gamstorp-Wohlfart syndrome; Neuromyotonia and axonal neuropathy, autosomal recessive; MYOKYMIA, MYOTONIA, AND MUSCLE WASTING. Identifiers: Orphanet 324442, MedGen C5700127, MONDO:0007646, OMIM 137200.

Allele frequency attached by ClinVar (database versions not stated): gnomAD exomes 0.00016 and 0.00043; ExAC 0.00049; 1000 Genomes Project 30x 0.00156; TOPMed 0.00182; gnomAD 0.00191; ESP Exome Variant Server 0.00215.
gnomAD v4.1: 509 of 1,613,400 alleles (0.032%); highest among the groups gnomAD compares: African/African-American, 0.61%; 2 homozygotes.

Submissions (5):

Labcorp Genetics (formerly Invitae), Labcorp
Classification: Benign for Autosomal recessive axonal neuropathy with neuromyotonia. Last evaluated: 2026-01-25. Review status: criteria provided, single submitter. Criteria: Invitae Variant Classification Sherloc (09022015). Collection method: clinical testing. Allele origin: germline.

ARUP Laboratories, Molecular Genetics and Genomics, ARUP Laboratories
Classification: Likely benign for Autosomal recessive axonal neuropathy with neuromyotonia. Last evaluated: 2023-11-14. Review status: criteria provided, single submitter. Criteria: ARUP Molecular Germline Variant Investigation Process 2024. Collection method: clinical testing. Allele origin: germline.

Ambry Genetics
Classification: Likely benign for Inborn genetic diseases. Last evaluated: 2019-07-11. Review status: criteria provided, single submitter. Criteria: Ambry Variant Classification Scheme 2023. Collection method: clinical testing. Allele origin: germline.

GeneDx
Classification: Likely benign. Last evaluated: 2017-10-20. Review status: criteria provided, single submitter. Criteria: GeneDx Variant Classification (06012015). Collection method: clinical testing. Allele origin: germline. Affected: yes.
Comment: This variant is considered likely benign or benign based on one or more of the following criteria: it is a conservative change, it occurs at a poorly conserved position in the protein, it is predicted to be benign by multiple in silico algorithms, and/or has population frequency not consistent with disease.

PreventionGenetics, part of Exact Sciences
Classification: Likely benign for HINT1-related condition. Last evaluated: 2019-12-26. Review status: no assertion criteria provided. Collection method: clinical testing. Allele origin: germline. Not counted in ClinVar's aggregate classification.
Comment: This variant is classified as likely benign based on ACMG/AMP sequence variant interpretation guidelines (Richards et al. 2015 PMID: 25741868, with internal and published modifications).

NM_005340.7(HINT1):c.330C>T (p.His110=)

Gene: HINT1 (histidine triad nucleotide binding protein 1; minus strand). Cytogenetic location: 5q23.3.
Variant type: single nucleotide variant.
Coding change: c.330C>T on transcript NM_005340.7 (MANE Select); coding-DNA position 330, C replaced by T.
Protein change: p.His110=; no amino-acid change (histidine 110 retained).
Molecular consequence: synonymous variant. On other transcripts: non-coding transcript variant (5).
Genome position (GRCh38, 1-based): chr5:131,159,498, G>A on the plus strand (C>T on the coding strand, the complement: HINT1 is on the minus strand). VCF-style: chr5-131159498-G-A. GRCh37 (hg19) VCF-style: chr5-130495191-G-A.
Identifiers: ClinVar variation 477395 (VCV000477395.19), dbSNP rs139624223, ClinGen allele CA3398556.